The following is an entry in ClinVar:

ClinVar aggregate classification (germline): Likely benign. Review status: criteria provided, multiple submitters, no conflicts (2 of 4 stars). 4 submissions from 4 submitters: Likely benign (3). 1 of the submissions does not count toward it. Last evaluated 2024-10-30.

Conditions:
Intellectual disability. Also called: Intellectual developmental disorder; intellectual disabilities; Intellectual functioning disability. Identifiers: MedGen C3714756, MeSH D008607, MONDO:0001071, HP:0001249.

Allele frequency attached by ClinVar (database versions not stated): 1000 Genomes Project 30x 0.00042; gnomAD exomes 0.00052 and 0.00114; 1000 Genomes Project 0.00053; ExAC 0.00057; gnomAD 0.00091 and 0.00094; ESP Exome Variant Server 0.00095; TOPMed 0.00097.
gnomAD v4.1: 1,354 of 1,193,254 alleles (0.11%); highest among the groups gnomAD compares: Non-Finnish European, 0.14%; no homozygotes.

Submissions (4):

Blueprint Genetics
Classification: Likely benign. Last evaluated: 2024-10-30. Review status: criteria provided, single submitter. Criteria: ACMG Guidelines, 2015. Collection method: clinical testing. Allele origin: germline.

CeGaT Center for Human Genetics Tuebingen
Classification: Likely benign. Last evaluated: 2024-02-01. Review status: criteria provided, single submitter. Criteria: CeGaT Center For Human Genetics Tuebingen Variant Classification Criteria Version 2. Collection method: clinical testing. Allele origin: germline. Affected: yes. Observed: 2 variant alleles.
Comment: FTSJ1: BS2

Genetic Services Laboratory, University of Chicago
Classification: Likely benign. Last evaluated: 2018-02-08. Review status: criteria provided, single submitter. Criteria: ACMG Guidelines, 2015. Collection method: clinical testing. Allele origin: germline. Affected: no.

Centre de Biologie Pathologie Génétique, Centre Hospitalier Universitaire de Lille
Classification: Likely benign for Intellectual disability. Last evaluated: 2019-01-01. Review status: no assertion criteria provided. Collection method: clinical testing. Allele origin: inherited. Affected: yes. Not counted in ClinVar's aggregate classification.

NM_012280.4(FTSJ1):c.*8C>T

Gene: FTSJ1 (FtsJ RNA 2'-O-methyltransferase 1; plus strand). Cytogenetic location: Xp11.23.
Variant type: single nucleotide variant.
Coding change: c.*8C>T on transcript NM_012280.4 (MANE Select); 8 bases downstream of the stop codon, C replaced by T.
Molecular consequence: 3 prime UTR variant.
Genome position (GRCh38, 1-based): chrX:48,483,026, C>T. VCF-style: chrX-48483026-C-T. GRCh37 (hg19) VCF-style: chrX-48341414-C-T.
Other names: c.*8C>T (NM_001282157.2, NM_177439.3).
Identifiers: ClinVar variation 975239 (VCV000975239.34), dbSNP rs201095751, ClinGen allele CA10402661.